The following continues an entry in ClinVar:

NM_000104.4(CYP1B1):c.1405C>T (p.Arg469Trp)

ClinVar aggregate classification (germline): Pathogenic. Pathogenic (1).

Submissions 10 to 15 of 15:

Women's Health and Genetics/Laboratory Corporation of America, LabCorp
Classification: Pathogenic for Primary congenital glaucoma. Last evaluated: 2023-02-03. Review status: criteria provided, single submitter. Criteria: LabCorp Variant Classification Summary - May 2015. Collection method: clinical testing. Allele origin: germline. Not counted in ClinVar's aggregate classification.
Comment: Variant summary: CYP1B1 c.1405C>T (p.Arg469Trp) results in a non-conservative amino acid change in the encoded protein sequence. Five of five in-silico tools predict a damaging effect of the variant on protein function. The variant allele was found at a frequency of 4.8e-05 in 251470 control chromosomes. This frequency is not significantly higher than expected for a pathogenic variant in CYP1B1 causing Primary Congenital Glaucoma (4.8e-05 vs 0.0043), allowing no conclusion about variant significance. c.1405C>T has been reported in the literature as a homozygous and compound heterozygous genotype in multiple individuals affected with Primary Congenital Glaucoma (Campos-Mollo_2009, Chitsazian_2007 etc.) . These data indicate that the variant is very likely to be associated with disease. At least one publication reports experimental evidence evaluating an impact on protein function. The most pronounced variant effect results in <10% of normal activity (Campos-Mollo_2009). Four clinical diagnostic laboratories have submitted clinical-significance assessments for this variant to ClinVar after 2014 without evidence for independent evaluation. All laboratories classified the variant as pathogenic. Based on the evidence outlined above, the variant was classified as pathogenic.

Revvity Omics, Revvity
Classification: Pathogenic. Last evaluated: 2020-04-25. Review status: criteria provided, single submitter. Criteria: ACMG Guidelines, 2015. Collection method: clinical testing. Allele origin: germline. Not counted in ClinVar's aggregate classification.

Institute of Human Genetics, University of Leipzig Medical Center
Classification: Pathogenic for Glaucoma 3A. Last evaluated: 2019-01-01. Review status: criteria provided, single submitter. Criteria: ACMG Guidelines, 2015. Collection method: clinical testing. Allele origin: unknown. Affected: no. Not counted in ClinVar's aggregate classification.

CENTOGENE GmbH and LLC - Guiding Precision Medicine
Classification: Pathogenic for Glaucoma 3A. Review status: criteria provided, single submitter. Criteria: ACMG Guidelines, 2015. Collection method: clinical testing. Allele origin: germline. Affected: yes. Not counted in ClinVar's aggregate classification.

Clinical Laboratory Sciences Program (CLSP), King Saud bin Abdulaziz University for Health Sciences (KSAU-HS)
Classification: Pathogenic for Glaucoma 3A. Last evaluated: 2023-04-01. Review status: no assertion criteria provided. Collection method: clinical testing. Allele origin: germline. Affected: yes. Not counted in ClinVar's aggregate classification.

OMIM
Classification: Pathogenic for GLAUCOMA 3, PRIMARY CONGENITAL, A. Last evaluated: 1998-02-01. Review status: no assertion criteria provided. Collection method: literature only. Allele origin: germline. Not counted in ClinVar's aggregate classification.

Literature cited by the submitters: PubMed 27243976 (cited by ClinGen Glaucoma Variant Curation Expert Panel and Labcorp Genetics (formerly Invitae), Labcorp); PubMed 12807732 (cited by ClinGen Glaucoma Variant Curation Expert Panel); PubMed 11740343 (cited by ClinGen Glaucoma Variant Curation Expert Panel); PubMed 19234632 (cited by 3 submitters); PubMed 9463332 (cited by 3 submitters); PubMed 10655546 (cited by Labcorp Genetics (formerly Invitae), Labcorp); PubMed 18852424 (cited by Labcorp Genetics (formerly Invitae), Labcorp); PubMed 25261878 (cited by Labcorp Genetics (formerly Invitae), Labcorp); PubMed 27508083 (cited by Labcorp Genetics (formerly Invitae), Labcorp); PubMed 32860008 (cited by Labcorp Genetics (formerly Invitae), Labcorp and CENTOGENE GmbH and LLC - Guiding Precision Medicine); PubMed 17591938 (cited by Women's Health and Genetics/Laboratory Corporation of America, LabCorp).